The following is an entry in ClinVar:

NM_006035.4(CDC42BPB):c.3031C>T (p.Pro1011Ser)

Gene: CDC42BPB (CDC42 binding protein kinase beta; minus strand). Cytogenetic location: 14q32.32.
Variant type: single nucleotide variant.
Coding change: c.3031C>T on transcript NM_006035.4 (MANE Select); coding-DNA position 3031, C replaced by T.
Protein change: p.Pro1011Ser; replaces proline 1011 with serine.
Molecular consequence: missense variant. On other transcripts: intron variant (1).
Genome position (GRCh38, 1-based): chr14:102,954,233, G>A on the plus strand (C>T on the coding strand, the complement: CDC42BPB is on the minus strand). VCF-style: chr14-102954233-G-A. GRCh37 (hg19) VCF-style: chr14-103420570-G-A.
Other names: c.2988+369C>T (NM_001411054.1); short protein forms P1011S.
Identifiers: ClinVar variation 3899712 (VCV003899712.1).

ClinVar aggregate classification (germline): Uncertain significance (1 of 4 stars; one submission).

gnomAD v4.1: 1 of 1,546,854 alleles (0.000065%); highest among the groups gnomAD compares: Non-Finnish European, 0.000087%; no homozygotes.

Submission:

GeneDx
Classification: Uncertain significance. Last evaluated: 2024-11-13. Review status: criteria provided, single submitter. Criteria: GeneDx Variant Classification Process June 2021. Collection method: clinical testing. Allele origin: germline. Affected: yes.
Comment: Not observed at significant frequency in large population cohorts (gnomAD); In silico analysis indicates that this missense variant does not alter protein structure/function; Has not been previously published as pathogenic or benign to our knowledge